The following is an entry in ClinVar:

NM_001371928.1(AHDC1):c.3110T>C (p.Phe1037Ser)

Gene: AHDC1 (AT-hook DNA binding motif containing 1; minus strand). Cytogenetic location: 1p36.11.
Variant type: single nucleotide variant.
Coding change: c.3110T>C on transcript NM_001371928.1 (MANE Select); coding-DNA position 3110, T replaced by C.
Protein change: p.Phe1037Ser; replaces phenylalanine 1037 with serine.
Molecular consequence: missense variant.
Genome position (GRCh38, 1-based): chr1:27,549,006, A>G on the plus strand (T>C on the coding strand, the complement: AHDC1 is on the minus strand). VCF-style: chr1-27549006-A-G. GRCh37 (hg19) VCF-style: chr1-27875517-A-G.
Other names: c.3110T>C, p.Phe1037Ser (NM_001029882.3); short protein forms F1037S.
Identifiers: ClinVar variation 2906322 (VCV002906322.3), dbSNP rs2521892847, ClinGen allele CA339228269.

ClinVar aggregate classification (germline): Uncertain significance (1 of 4 stars; one submission).

Allele frequency attached by ClinVar (database versions not stated): gnomAD exomes below 0.00001.
gnomAD v4.1: 3 of 1,574,308 alleles (0.00019%); highest among the groups gnomAD compares: Non-Finnish European, 0.00026%; no homozygotes.

Submission:

Labcorp Genetics (formerly Invitae), Labcorp
Classification: Uncertain significance. Last evaluated: 2023-06-25. Review status: criteria provided, single submitter. Criteria: Invitae Variant Classification Sherloc (09022015). Collection method: clinical testing. Allele origin: germline.
Comment: This sequence change replaces phenylalanine, which is neutral and non-polar, with serine, which is neutral and polar, at codon 1037 of the AHDC1 protein (p.Phe1037Ser). This variant is not present in population databases (gnomAD no frequency). This variant has not been reported in the literature in individuals affected with AHDC1-related conditions. An algorithm developed to predict the effect of missense changes on protein structure and function (PolyPhen-2) suggests that this variant is likely to be disruptive. In summary, the available evidence is currently insufficient to determine the role of this variant in disease. Therefore, it has been classified as a Variant of Uncertain Significance.